The following is an entry in ClinVar:

NM_000557.5(GDF5):c.719G>A (p.Arg240Gln)

Gene: GDF5 (growth differentiation factor 5; minus strand). Cytogenetic location: 20q11.22.
Variant type: single nucleotide variant.
Coding change: c.719G>A on transcript NM_000557.5 (MANE Select); coding-DNA position 719, G replaced by A.
Protein change: p.Arg240Gln; replaces arginine 240 with glutamine.
Molecular consequence: missense variant.
Genome position (GRCh38, 1-based): chr20:35,434,696, C>T on the plus strand (G>A on the coding strand, the complement: GDF5 is on the minus strand). VCF-style: chr20-35434696-C-T. GRCh37 (hg19) VCF-style: chr20-34022494-C-T.
Other names: c.719G>A, p.Arg240Gln (NM_001319138.2); short protein forms R240Q.
Identifiers: ClinVar variation 4691094 (VCV004691094.1).

ClinVar aggregate classification (germline): Uncertain significance (1 of 4 stars; one submission).

gnomAD v4.1: 8 of 1,612,628 alleles (0.0005%); highest among the groups gnomAD compares: Admixed American, 0.0017%; no homozygotes.

Submission:

Labcorp Genetics (formerly Invitae), Labcorp
Classification: Uncertain significance. Last evaluated: 2025-09-13. Review status: criteria provided, single submitter. Criteria: Invitae Variant Classification Sherloc (09022015). Collection method: clinical testing. Allele origin: germline.
Comment: This sequence change replaces arginine, which is basic and polar, with glutamine, which is neutral and polar, at codon 240 of the GDF5 protein (p.Arg240Gln). This variant is present in population databases (no rsID available, gnomAD 0.003%). This variant has not been reported in the literature in individuals affected with GDF5-related conditions. Invitae Evidence Modeling of protein sequence and biophysical properties (such as structural, functional, and spatial information, amino acid conservation, physicochemical variation, residue mobility, and thermodynamic stability) indicates that this missense variant is not expected to disrupt GDF5 protein function with a negative predictive value of 80%. In summary, the available evidence is currently insufficient to determine the role of this variant in disease. Therefore, it has been classified as a Variant of Uncertain Significance.